The following is an entry in ClinVar:

ClinVar aggregate classification (germline): Uncertain significance. Review status: criteria provided, multiple submitters, no conflicts (2 of 4 stars). 2 submissions from 2 submitters: Uncertain significance (2). Last evaluated 2025-12-03.

Conditions:
Charcot-Marie-Tooth disease axonal type 2O. Also called: Charcot-Marie-Tooth disease, axonal, type 20; Charcot-Marie-Tooth Neuropathy Type 2O; CHARCOT-MARIE-TOOTH NEUROPATHY, AXONAL, TYPE 2O; CHARCOT-MARIE-TOOTH DISEASE, AXONAL, AUTOSOMAL DOMINANT, TYPE 2O. Identifiers: Orphanet 284232, MedGen C3280220, MONDO:0013644, OMIM 614228.

Allele frequency attached by ClinVar (database versions not stated): gnomAD exomes below 0.00001; TOPMed below 0.00001.
gnomAD v4.1: 4 of 1,614,082 alleles (0.00025%); highest among the groups gnomAD compares: Non-Finnish European, 0.00025%; no homozygotes.

Submissions (2):

Labcorp Genetics (formerly Invitae), Labcorp
Classification: Uncertain significance for Charcot-Marie-Tooth disease axonal type 2O. Last evaluated: 2025-12-03. Review status: criteria provided, single submitter. Criteria: Invitae Variant Classification Sherloc (09022015). Collection method: clinical testing. Allele origin: germline.
Comment: This sequence change replaces asparagine, which is neutral and polar, with serine, which is neutral and polar, at codon 2752 of the DYNC1H1 protein (p.Asn2752Ser). This variant is not present in population databases (gnomAD no frequency). This variant has not been reported in the literature in individuals affected with DYNC1H1-related conditions. ClinVar contains an entry for this variant (Variation ID: 245719). Invitae Evidence Modeling of protein sequence and biophysical properties (such as structural, functional, and spatial information, amino acid conservation, physicochemical variation, residue mobility, and thermodynamic stability) indicates that this missense variant is not expected to disrupt DYNC1H1 protein function with a negative predictive value of 95%. In summary, the available evidence is currently insufficient to determine the role of this variant in disease. Therefore, it has been classified as a Variant of Uncertain Significance.

GeneDx
Classification: Uncertain significance. Last evaluated: 2022-03-24. Review status: criteria provided, single submitter. Criteria: GeneDx Variant Classification Process June 2021. Collection method: clinical testing. Allele origin: germline. Affected: yes.
Comment: Not observed at significant frequency in large population cohorts (gnomAD); In silico analysis supports that this missense variant has a deleterious effect on protein structure/function; Has not been previously published as pathogenic or benign to our knowledge; This variant is associated with the following publications: (PMID: 26100331, 25609763, 25512093)

NM_001376.5(DYNC1H1):c.8255A>G (p.Asn2752Ser)

Gene: DYNC1H1 (dynein cytoplasmic 1 heavy chain 1; plus strand). Cytogenetic location: 14q32.31.
Variant type: single nucleotide variant.
Coding change: c.8255A>G on transcript NM_001376.5 (MANE Select); coding-DNA position 8255, A replaced by G.
Protein change: p.Asn2752Ser; replaces asparagine 2752 with serine.
Molecular consequence: missense variant.
Genome position (GRCh38, 1-based): chr14:102,018,528, A>G. VCF-style: chr14-102018528-A-G. GRCh37 (hg19) VCF-style: chr14-102484865-A-G.
Other names: short protein forms N2752S.
Identifiers: ClinVar variation 245719 (VCV000245719.5), dbSNP rs879253915, ClinGen allele CA10584468.